The following is an entry in ClinVar:

NM_001365999.1(SZT2):c.4892C>T (p.Thr1631Met)

Gene: SZT2 (SZT2 subunit of KICSTOR complex; plus strand). Cytogenetic location: 1p34.2.
Variant type: single nucleotide variant.
Coding change: c.4892C>T on transcript NM_001365999.1 (MANE Select); coding-DNA position 4892, C replaced by T.
Protein change: p.Thr1631Met; replaces threonine 1631 with methionine.
Molecular consequence: missense variant.
Genome position (GRCh38, 1-based): chr1:43,431,066, C>T. VCF-style: chr1-43431066-C-T. GRCh37 (hg19) VCF-style: chr1-43896737-C-T.
Other names: c.4721C>T, p.Thr1574Met (NM_015284.4); short protein forms T1574M, T1631M.
Identifiers: ClinVar variation 411931 (VCV000411931.21), dbSNP rs201312287, ClinGen allele CA809394.

ClinVar aggregate classification (germline): Conflicting classifications of pathogenicity. Review status: criteria provided, conflicting classifications (1 of 4 stars). 7 submissions from 7 submitters: Uncertain significance (3); Likely benign (3). 1 of the submissions does not count toward it. Last evaluated 2026-01-09.

Conditions:
SZT2-related disorder. Also called: SZT2-related condition.
Inborn genetic diseases. Identifiers: MedGen C0950123, MeSH D030342.
Developmental and epileptic encephalopathy, 18 (DEE18). Also called: Early infantile epileptic encephalopathy 18. Identifiers: Orphanet 369894, MedGen C3809624, MONDO:0014201, OMIM 615476.

Allele frequency attached by ClinVar (database versions not stated): gnomAD 0.00009 and 0.00015; TOPMed 0.00012; 1000 Genomes Project 30x 0.00031; 1000 Genomes Project 0.00040.
gnomAD v4.1: 376 of 1,613,896 alleles (0.023%); highest among the groups gnomAD compares: Middle Eastern, 0.21%; 2 homozygotes.

Submissions (7):

Labcorp Genetics (formerly Invitae), Labcorp
Classification: Likely benign. Last evaluated: 2026-01-09. Review status: criteria provided, single submitter. Criteria: Invitae Variant Classification Sherloc (09022015). Collection method: clinical testing. Allele origin: germline.

Blueprint Genetics
Classification: Likely benign. Last evaluated: 2024-08-20. Review status: criteria provided, single submitter. Criteria: ACMG Guidelines, 2015. Collection method: clinical testing. Allele origin: germline.

Center for Genomics, Ann and Robert H. Lurie Children's Hospital of Chicago
Classification: Uncertain significance for Developmental and epileptic encephalopathy, 18. Last evaluated: 2021-06-16. Review status: criteria provided, single submitter. Criteria: ACMG Guidelines, 2015. Collection method: clinical testing. Allele origin: germline.
Comment: SZT2 NM_015284.3 exon 32 p.Thr1574Met (c.4721C>T): This variant has not been reported in the literature but is present in 0.01% (11/68026) of European alleles in the Genome Aggregation Database. This variant is present in ClinVar (Variation ID:411931). This variant amino acid Methionine (Met) is present in >10 species and is not well conserved among evolutionarily distant species; this suggests that this variant may not impact the protein. Additional computational prediction tools do not suggest an impact. In summary, data on this variant is insufficient for disease classification. Therefore, the clinical significance of this variant is uncertain.

Ambry Genetics
Classification: Uncertain significance for Inborn genetic diseases. Last evaluated: 2019-06-06. Review status: criteria provided, single submitter. Criteria: Ambry Variant Classification Scheme 2023. Collection method: clinical testing. Allele origin: germline.
Comment: The p.T1574M variant (also known as c.4721C>T), located in coding exon 32 of the SZT2 gene, results from a C to T substitution at nucleotide position 4721. The threonine at codon 1574 is replaced by methionine, an amino acid with similar properties. This amino acid position is poorly conserved in available vertebrate species. In addition, this alteration is predicted to be tolerated by in silico analysis. Since supporting evidence is limited at this time, the clinical significance of this alteration remains unclear.

GeneDx
Classification: Likely benign. Last evaluated: 2018-12-10. Review status: criteria provided, single submitter. Criteria: GeneDx Variant Classification Process June 2021. Collection method: clinical testing. Allele origin: germline. Affected: yes.

Fulgent Genetics
Classification: Uncertain significance for Developmental and epileptic encephalopathy, 18. Last evaluated: 2018-10-31. Review status: criteria provided, single submitter. Criteria: ACMG Guidelines, 2015. Collection method: clinical testing. Allele origin: unknown.

PreventionGenetics, part of Exact Sciences
Classification: Likely benign for SZT2-related condition. Last evaluated: 2022-04-01. Review status: no assertion criteria provided. Collection method: clinical testing. Allele origin: germline. Not counted in ClinVar's aggregate classification.
Comment: This variant is classified as likely benign based on ACMG/AMP sequence variant interpretation guidelines (Richards et al. 2015 PMID: 25741868, with internal and published modifications).